The following is an entry in ClinVar:

ClinVar aggregate classification (germline): Uncertain significance (1 of 4 stars; one submission).

Submission:

Women's Health and Genetics/Laboratory Corporation of America, LabCorp
Classification: Uncertain significance. Last evaluated: 2025-07-09. Review status: criteria provided, single submitter. Criteria: LabCorp Variant Classification Summary - May 2015. Collection method: clinical testing. Allele origin: germline.
Comment: Variant summary: The variant involves the duplication of exons 1-4 in the KCNE1 gene. A presumed nomenclature of c.(?_-561)_(*2555_?)dup has been designated for the purposes of this classification. This duplication includes the entire coding sequence of the gene. As exact breakpoints are unknown, it may extend beyond the annotated region of the gene, to include other flanking genes. The variant was absent in 21694 control chromosomes. The available data on variant occurrences in the general population are insufficient to allow any conclusion about variant significance. To our knowledge, no occurrence of c.(?_-561)_(*2555_?)dup in individuals affected with Jervell And Lange-Nielsen Syndrome and no experimental evidence demonstrating its impact on protein function have been reported. No submitters have cited clinical-significance assessments for this variant to ClinVar. Based on the evidence outlined above, the variant was classified as uncertain significance.

NC_000021.8:g.(?_35818988)_(35884509_?)dup

Gene: KCNE1 (potassium voltage-gated channel subfamily E regulatory subunit 1; minus strand). Cytogenetic location: 21q22.12.
Variant type: Duplication.
Identifiers: ClinVar variation 4526037 (VCV004526037.1).